The following is an entry in ClinVar:

NM_001042492.3(NF1):c.1211C>A (p.Ser404Tyr)

Gene: NF1 (neurofibromin 1; plus strand). Cytogenetic location: 17q11.2.
Variant type: single nucleotide variant.
Coding change: c.1211C>A on transcript NM_001042492.3 (MANE Select); coding-DNA position 1211, C replaced by A.
Protein change: p.Ser404Tyr; replaces serine 404 with tyrosine.
Molecular consequence: missense variant.
Genome position (GRCh38, 1-based): chr17:31,201,436, C>A. VCF-style: chr17-31201436-C-A. GRCh37 (hg19) VCF-style: chr17-29528454-C-A.
Other names: c.1211C>A, p.Ser404Tyr (NM_000267.4, NM_001128147.3); short protein forms S404Y.
Identifiers: ClinVar variation 818599 (VCV000818599.4), dbSNP rs1597682758, ClinGen allele CA398997519.
Genomic context (GRCh38, chr17:31,201,436, plus strand): 5'-AGAAATAATCTGCTTTTTTTTTTCTTTTTCTATAGATCTGCCTGGCTCAGAATTCACCTT[C>A]TACATTTCACTATGTGCTGGTAAATTCACTCCATCGAATCATCACCAATGTAAGTCCAAA-3'
Protein context (NP_001035957.1, residues 394-414): FKICLAQNSP[Ser404Tyr]TFHYVLVNSL

ClinVar aggregate classification (germline): Uncertain significance (1 of 4 stars; one submission).

Conditions:
Cardiovascular phenotype. Identifiers: MedGen CN230736.
Hereditary cancer-predisposing syndrome. Also called: Tumor predisposition; Hereditary neoplastic syndrome; Neoplastic Syndromes, Hereditary; Hereditary Cancer Syndrome. Identifiers: Orphanet 140162, MedGen C0027672, MeSH D009386, MONDO:0015356.

Submission:

Ambry Genetics
Classification: Uncertain significance for Cardiovascular phenotype; Hereditary cancer-predisposing syndrome. Last evaluated: 2019-11-15. Review status: criteria provided, single submitter. Criteria: Ambry Variant Classification Scheme 2023. Collection method: clinical testing. Allele origin: germline.
Comment: The p.S404Y variant (also known as c.1211C>A), located in coding exon 11 of the NF1 gene, results from a C to A substitution at nucleotide position 1211. The serine at codon 404 is replaced by tyrosine, an amino acid with dissimilar properties. This amino acid position is highly conserved in available vertebrate species. In addition, this alteration is predicted to be deleterious by in silico analysis. Since supporting evidence is limited at this time, the clinical significance of this alteration remains unclear.